The following is an entry in ClinVar:

ClinVar aggregate classification (germline): Uncertain significance. Review status: criteria provided, multiple submitters, no conflicts (2 of 4 stars). 2 submissions from 2 submitters: Uncertain significance (2). Last evaluated 2026-05-29.

Conditions:
Brugada syndrome 4 (BRGDA4). Identifiers: Orphanet 130, MedGen C2678477, MONDO:0012743, OMIM 611876.
CACNB2-related disorder. Also called: CACNB2-related condition.

Allele frequency attached by ClinVar (database versions not stated): TOPMed below 0.00001.
gnomAD v4.1: 2 of 1,613,696 alleles (0.00012%); highest among the groups gnomAD compares: Admixed American, 0.0017%; no homozygotes.

Submissions (2):

PreventionGenetics, part of Exact Sciences
Classification: Uncertain significance for CACNB2-related condition. Last evaluated: 2026-05-29. Review status: criteria provided, single submitter. Criteria: ACMG Guidelines, 2015. Collection method: clinical testing. Allele origin: germline.
Comment: The CACNB2 c.1420T>C variant is predicted to result in the amino acid substitution p.Ser474Pro. To our knowledge, this variant has not been reported in the literature. This variant is reported in 0.0029% of alleles in individuals of Latino descent in gnomAD. At this time, the clinical significance of this variant is uncertain due to the absence of conclusive functional and genetic evidence.

Labcorp Genetics (formerly Invitae), Labcorp
Classification: Uncertain significance for Brugada syndrome 4. Last evaluated: 2021-02-03. Review status: criteria provided, single submitter. Criteria: Invitae Variant Classification Sherloc (09022015). Collection method: clinical testing. Allele origin: germline.
Comment: In summary, the available evidence is currently insufficient to determine the role of this variant in disease. Therefore, it has been classified as a Variant of Uncertain Significance. Algorithms developed to predict the effect of missense changes on protein structure and function output the following: SIFT: "Tolerated"; PolyPhen-2: "Benign"; Align-GVGD: "Class C0". The proline amino acid residue is found in multiple mammalian species, suggesting that this missense change does not adversely affect protein function. These predictions have not been confirmed by published functional studies and their clinical significance is uncertain. This variant has not been reported in the literature in individuals with CACNB2-related conditions. This variant is not present in population databases (ExAC no frequency). This sequence change replaces serine with proline at codon 474 of the CACNB2 protein (p.Ser474Pro). The serine residue is moderately conserved and there is a moderate physicochemical difference between serine and proline.

NM_201596.3(CACNB2):c.1582T>C (p.Ser528Pro)

Gene: CACNB2 (calcium voltage-gated channel auxiliary subunit beta 2; plus strand). Cytogenetic location: 10p12.31.
Variant type: single nucleotide variant.
Coding change: c.1582T>C on transcript NM_201596.3 (MANE Select); coding-DNA position 1582, T replaced by C.
Protein change: p.Ser528Pro; replaces serine 528 with proline.
Molecular consequence: missense variant.
Genome position (GRCh38, 1-based): chr10:18,539,323, T>C. VCF-style: chr10-18539323-T-C. GRCh37 (hg19) VCF-style: chr10-18828252-T-C.
Other names: c.1417T>C, p.Ser473Pro (NM_000724.4); c.1384T>C, p.Ser462Pro (NM_001167945.2); c.1303T>C, p.Ser435Pro (NM_001330060.2); c.1438T>C, p.Ser480Pro (NM_201570.3); c.1498T>C, p.Ser500Pro (NM_201571.4); c.1426T>C, p.Ser476Pro (NM_201572.4); c.1420T>C, p.Ser474Pro (NM_201590.3); c.1468T>C, p.Ser490Pro (NM_201593.3); and 2 more; short protein forms S435P, S476P, S490P, S504P, S528P, S462P, S473P, S474P.
Identifiers: ClinVar variation 1430765 (VCV001430765.7), dbSNP rs777178427, ClinGen allele CA376071386.